The following is an entry in ClinVar:

NM_014271.4(IL1RAPL1):c.1605G>T (p.Thr535=)

Gene: IL1RAPL1 (interleukin 1 receptor accessory protein like 1; plus strand). Cytogenetic location: Xp21.2.
Variant type: single nucleotide variant.
Coding change: c.1605G>T on transcript NM_014271.4 (MANE Select); coding-DNA position 1605, G replaced by T.
Protein change: p.Thr535=; no amino-acid change (threonine 535 retained).
Molecular consequence: synonymous variant.
Genome position (GRCh38, 1-based): chrX:29,955,334, G>T. VCF-style: chrX-29955334-G-T. GRCh37 (hg19) VCF-style: chrX-29973451-G-T.
Identifiers: ClinVar variation 368197 (VCV000368197.16), dbSNP rs35305747, ClinGen allele CA10375593.

ClinVar aggregate classification (germline): Benign/Likely benign. Review status: criteria provided, multiple submitters, no conflicts (2 of 4 stars). 4 submissions from 4 submitters: Benign (3); Likely benign (1). Last evaluated 2026-01-27.

Conditions:
Intellectual developmental disorder, X-linked 21. Also called: MENTAL RETARDATION, X-LINKED 34; Mental retardation, X-linked 21/34; Intellectual disability, X-linked 21. Identifiers: Orphanet 777, MedGen C5551510, MONDO:0010256, OMIM 300143.

Allele frequency attached by ClinVar (database versions not stated): gnomAD 0.00223 and 0.00106; TOPMed 0.00453; 1000 Genomes Project 0.00053; 1000 Genomes Project 30x 0.00062; ESP Exome Variant Server 0.00114.
gnomAD v4.1: 2,203 of 1,209,353 alleles (0.18%); highest among the groups gnomAD compares: Non-Finnish European, 0.21%; 9 homozygotes.

Submissions (4):

Labcorp Genetics (formerly Invitae), Labcorp
Classification: Benign. Last evaluated: 2026-01-27. Review status: criteria provided, single submitter. Criteria: Invitae Variant Classification Sherloc (09022015). Collection method: clinical testing. Allele origin: germline.

Blueprint Genetics
Classification: Likely benign. Last evaluated: 2024-11-04. Review status: criteria provided, single submitter. Criteria: ACMG Guidelines, 2015. Collection method: clinical testing. Allele origin: germline.

GeneDx
Classification: Benign. Last evaluated: 2020-05-26. Review status: criteria provided, single submitter. Criteria: GeneDx Variant Classification Process June 2021. Collection method: clinical testing. Allele origin: germline. Affected: yes.

Illumina Laboratory Services, Illumina
Classification: Benign for Intellectual developmental disorder, X-linked 21. Last evaluated: 2018-01-13. Review status: criteria provided, single submitter. Criteria: ICSL Variant Classification Criteria 13 December 2019. Collection method: clinical testing. Allele origin: germline.
Comment: This variant was observed in the ICSL laboratory as part of a predisposition screen in an ostensibly healthy population. It had not been previously curated by ICSL or reported in the Human Gene Mutation Database (HGMD: prior to June 1st, 2018), and was therefore a candidate for classification through an automated scoring system. Utilizing variant allele frequency, disease prevalence and penetrance estimates, and inheritance mode, an automated score was calculated to assess if this variant is too frequent to cause the disease. Based on the score and internal cut-off values, a variant classified as benign is not then subjected to further curation. The score for this variant resulted in a classification of benign for this disease.